The following is an entry in ClinVar:

ClinVar aggregate classification (germline): Likely benign. Review status: criteria provided, multiple submitters, no conflicts (2 of 4 stars). 3 submissions from 3 submitters: Likely benign (3). Last evaluated 2025-03-01.

Conditions:
Inborn genetic diseases. Identifiers: MedGen C0950123, MeSH D030342.
Cowden syndrome 6 (CWS6). Identifiers: Orphanet 201, MedGen C3554519, MONDO:0014048, OMIM 615109.

Allele frequency attached by ClinVar (database versions not stated): ExAC 0.00007; gnomAD exomes 0.00008 and 0.00010; TOPMed 0.00010; gnomAD 0.00011 and 0.00013; ESP Exome Variant Server 0.00015.
gnomAD v4.1: 156 of 1,614,048 alleles (0.0097%); highest among the groups gnomAD compares: Non-Finnish European, 0.012%; no homozygotes.

Submissions (3):

CeGaT Center for Human Genetics Tuebingen
Classification: Likely benign. Last evaluated: 2025-03-01. Review status: criteria provided, single submitter. Criteria: CeGaT Center For Human Genetics Tuebingen Variant Classification Criteria Version 2. Collection method: clinical testing. Allele origin: germline. Affected: yes. Observed: 2 variant alleles.
Comment: AKT1: BP4, BP7

Labcorp Genetics (formerly Invitae), Labcorp
Classification: Likely benign for Cowden syndrome 6. Last evaluated: 2024-04-05. Review status: criteria provided, single submitter. Criteria: Invitae Variant Classification Sherloc (09022015). Collection method: clinical testing. Allele origin: germline.

Ambry Genetics
Classification: Likely benign for Inborn genetic diseases. Last evaluated: 2022-03-20. Review status: criteria provided, single submitter. Criteria: Ambry Variant Classification Scheme 2023. Collection method: clinical testing. Allele origin: germline.

NM_001382430.1(AKT1):c.855C>T (p.Asp285=)

Gene: AKT1 (AKT serine/threonine kinase 1; minus strand). Cytogenetic location: 14q32.33.
Variant type: single nucleotide variant.
Coding change: c.855C>T on transcript NM_001382430.1 (MANE Select); coding-DNA position 855, C replaced by T.
Protein change: p.Asp285=; no amino-acid change (aspartic acid 285 retained).
Molecular consequence: synonymous variant.
Genome position (GRCh38, 1-based): chr14:104,773,353, G>A on the plus strand (C>T on the coding strand, the complement: AKT1 is on the minus strand). VCF-style: chr14-104773353-G-A. GRCh37 (hg19) VCF-style: chr14-105239690-G-A.
Other names: c.855C>T, p.Asp285= (NM_001014431.2, NM_001014432.2, NM_001382431.1 and 3 more transcripts).
Identifiers: ClinVar variation 416476 (VCV000416476.37), dbSNP rs149484260, ClinGen allele CA7374619.